The following is an entry in ClinVar:

ClinVar aggregate classification (germline): Likely pathogenic (1 of 4 stars; one submission).

Conditions:
CRYGC-related disorder. Also called: CRYGC-related condition.

Submission:

PreventionGenetics, part of Exact Sciences
Classification: Likely pathogenic for CRYGC-related condition. Last evaluated: 2025-03-27. Review status: criteria provided, single submitter. Criteria: ACMG Guidelines, 2015. Collection method: clinical testing. Allele origin: germline.
Comment: The CRYGC c.391T>C variant is predicted to result in the amino acid substitution p.Trp131Arg. This variant has been reported as de novo in an individual with congenital cataracts (Delas et al. 2023. PubMed ID: 38068917). This variant is absent in a large population database (gnomAD), indicating this variant is rare. This variant is interpreted as likely pathogenic.

NM_020989.4(CRYGC):c.391T>C (p.Trp131Arg)

Genes: CRYGC (crystallin gamma C; minus strand), LOC100507443 (uncharacterized LOC100507443; plus strand). Cytogenetic location: 2q33.3.
Variant type: single nucleotide variant.
Coding change: c.391T>C on transcript NM_020989.4 (MANE Select); coding-DNA position 391, T replaced by C.
Protein change: p.Trp131Arg; replaces tryptophan 131 with arginine.
Molecular consequence: missense variant.
Genome position (GRCh38, 1-based): chr2:208,128,337, A>G on the plus strand (T>C on the coding strand, the complement: CRYGC is on the minus strand). VCF-style: chr2-208128337-A-G. GRCh37 (hg19) VCF-style: chr2-208993061-A-G.
Other names: short protein forms W131R.
Identifiers: ClinVar variation 4998405 (VCV004998405.1).